The following is an entry in ClinVar:

ClinVar aggregate classification (germline): Pathogenic/Likely pathogenic. Review status: criteria provided, multiple submitters, no conflicts (2 of 4 stars). 2 submissions from 2 submitters: Pathogenic (1); Likely pathogenic (1). Last evaluated 2024-08-08.

Conditions:
Ehlers-Danlos syndrome due to tenascin-X deficiency (EDSCLL1). Also called: TNXB-Related Classical-Like Ehlers-Danlos Syndrome; TNX DEFICIENCY; EDS DUE TO TNX DEFICIENCY; EHLERS-DANLOS SYNDROME, CLASSIC-LIKE; Ehlers-Danlos syndrome, classic-like, 1. Identifiers: Orphanet 230839, MedGen C1848029, MONDO:0011670, OMIM 606408.
Vesicoureteral reflux 8 (VUR8). Identifiers: Orphanet 289365, MedGen C4014831, MONDO:0014422, OMIM 615963.

gnomAD v4.1: 4 of 1,612,718 alleles (0.00025%); highest among the groups gnomAD compares: South Asian, 0.0022%; no homozygotes.

Submissions (2):

Myriad Genetics, Inc.
Classification: Pathogenic for Ehlers-Danlos syndrome due to tenascin-X deficiency. Last evaluated: 2024-08-08. Review status: criteria provided, single submitter. Criteria: Myriad Autosomal Dominant, Autosomal Recessive and X-Linked Classification Criteria (2023). Collection method: clinical testing. Allele origin: unknown.
Comment: NM_019105.6(TNXB):c.2044G>T(E682*) is expected to be pathogenic in the context of classical-like Ehlers-Danlos syndrome, TNXB-related. This variant is predicted to lead to an abnormal or absent protein product due to the creation of a premature termination codon in TNXB, a gene where loss-of-function variants are known to be pathogenic. Please note: this variant was assessed in the context of healthy population screening.

Fulgent Genetics
Classification: Likely pathogenic for Ehlers-Danlos syndrome due to tenascin-X deficiency; Vesicoureteral reflux 8. Last evaluated: 2024-05-23. Review status: criteria provided, single submitter. Criteria: ACMG Guidelines, 2015. Collection method: clinical testing. Allele origin: germline.

NM_001365276.2(TNXB):c.2044G>T (p.Glu682Ter)

Gene: TNXB (tenascin XB; minus strand). Cytogenetic location: 6p21.33.
Variant type: single nucleotide variant.
Coding change: c.2044G>T on transcript NM_001365276.2 (MANE Select); coding-DNA position 2044, G replaced by T.
Protein change: p.Glu682Ter; replaces glutamic acid 682 with a stop codon.
Molecular consequence: nonsense.
Genome position (GRCh38, 1-based): chr6:32,095,809, C>A on the plus strand (G>T on the coding strand, the complement: TNXB is on the minus strand). VCF-style: chr6-32095809-C-A. GRCh37 (hg19) VCF-style: chr6-32063586-C-A.
Other names: c.2044G>T, p.Glu682Ter (NM_001428335.1, NM_019105.8); short protein forms E682*.
Identifiers: ClinVar variation 3593479 (VCV003593479.2).